The following is an entry in ClinVar:

NM_001128425.2(MUTYH):c.36+4C>T

Genes: MUTYH (mutY DNA glycosylase; minus strand), TOE1 (target of EGR1, exonuclease; plus strand). Cytogenetic location: 1p34.1.
Variant type: single nucleotide variant.
Coding change: c.36+4C>T on transcript NM_001128425.2 (MANE Plus Clinical); 4 bases into the intron after coding-DNA position 36, C replaced by T.
Molecular consequence: intron variant. On other transcripts: 5 prime UTR variant (3).
Genome position (GRCh38, 1-based): chr1:45,340,215, G>A on the plus strand (C>T on the coding strand, the complement: MUTYH is on the minus strand). VCF-style: chr1-45340215-G-A. GRCh37 (hg19) VCF-style: chr1-45805887-G-A.
Other names: c.-38G>A (NM_025077.4); c.-19C>T (NM_001407070.1, NM_001407071.1); c.-7+8C>T (NM_001407072.1); c.-214+4C>T (NM_001350651.2); c.-219+4C>T (NM_001293192.2); c.-278+4C>T (NM_001350650.2); c.36+4C>T (NM_001407073.1, NM_001293190.2, NM_001407069.1 and 1 more transcripts); c.-7+4C>T (NM_001048171.2).
Identifiers: ClinVar variation 480005 (VCV000480005.14), dbSNP rs774530388, ClinGen allele CA658656907.

ClinVar aggregate classification (germline): Uncertain significance. Review status: criteria provided, multiple submitters, no conflicts (2 of 4 stars). 4 submissions from 4 submitters: Uncertain significance (4). Last evaluated 2024-01-22.

Conditions:
Familial adenomatous polyposis 2. Also called: FAP type 2; COLORECTAL ADENOMATOUS POLYPOSIS, AUTOSOMAL RECESSIVE; MYH-associated polyposis; MUTYH-associated polyposis; Adenomas, multiple colorectal; ADENOMAS, MULTIPLE COLORECTAL, AUTOSOMAL RECESSIVE. Identifiers: Orphanet 220460, Orphanet 247798, MedGen C3272841, MONDO:0012041, OMIM 608456.
Gastric cancer. Also called: Stomach cancer; Malignant tumor of stomach. Identifiers: MedGen C0024623, MeSH D013274, MONDO:0001056, OMIM 613659, HP:0012126.
Hereditary cancer-predisposing syndrome. Also called: Neoplastic Syndromes, Hereditary; Hereditary Cancer Syndrome; Tumor predisposition; Hereditary neoplastic syndrome. Identifiers: Orphanet 140162, MedGen C0027672, MeSH D009386, MONDO:0015356.

gnomAD v4.1: 6 of 1,613,794 alleles (0.00037%); highest among the groups gnomAD compares: Non-Finnish European, 0.00051%; no homozygotes.

Submissions (4):

Color Diagnostics, LLC DBA Color Health
Classification: Uncertain significance for Hereditary cancer-predisposing syndrome. Last evaluated: 2024-01-22. Review status: criteria provided, single submitter. Criteria: ACMG Guidelines, 2015. Collection method: clinical testing. Allele origin: germline.
Comment: This variant causes a C to T nucleotide substitution at the +4 position of intron 1/15 of the MUTYH gene. To our knowledge, functional studies have not been reported for this variant. This variant has not been reported in individuals affected with MUTYH-related disorders in the literature. This variant has not been identified in the general population by the Genome Aggregation Database (gnomAD). The available evidence is insufficient to determine the role of this variant in disease conclusively. Therefore, this variant is classified as a Variant of Uncertain Significance.

Fulgent Genetics
Classification: Uncertain significance for Familial adenomatous polyposis 2; Gastric cancer. Last evaluated: 2024-01-17. Review status: criteria provided, single submitter. Criteria: ACMG Guidelines, 2015. Collection method: clinical testing. Allele origin: germline.

Ambry Genetics
Classification: Uncertain significance for Hereditary cancer-predisposing syndrome. Last evaluated: 2023-06-27. Review status: criteria provided, single submitter. Criteria: Ambry Variant Classification Scheme 2023. Collection method: clinical testing. Allele origin: germline.
Comment: The c.36+4C>T intronic variant results from a C to T substitution 4 nucleotides after coding exon 1 in the MUTYH gene. This nucleotide position is not well conserved in available vertebrate species. In silico splice site analysis for this alteration is inconclusive; however, direct evidence is insufficient at this time (Ambry internal data). Since supporting evidence is limited at this time, the clinical significance of this alteration remains unclear.

Labcorp Genetics (formerly Invitae), Labcorp
Classification: Uncertain significance for Familial adenomatous polyposis 2. Last evaluated: 2023-04-08. Review status: criteria provided, single submitter. Criteria: Invitae Variant Classification Sherloc (09022015). Collection method: clinical testing. Allele origin: germline.
Comment: This variant is not present in population databases (gnomAD no frequency). In summary, the available evidence is currently insufficient to determine the role of this variant in disease. Therefore, it has been classified as a Variant of Uncertain Significance. Variants that disrupt the consensus splice site are a relatively common cause of aberrant splicing (PMID: 17576681, 9536098). Algorithms developed to predict the effect of sequence changes on RNA splicing suggest that this variant may create or strengthen a splice site. ClinVar contains an entry for this variant (Variation ID: 480005). This variant has not been reported in the literature in individuals affected with MUTYH-related conditions. This sequence change falls in intron 1 of the MUTYH gene. It does not directly change the encoded amino acid sequence of the MUTYH protein. It affects a nucleotide within the consensus splice site.

Literature cited by the submitters: PubMed 17576681 (cited by Labcorp Genetics (formerly Invitae), Labcorp); PubMed 9536098 (cited by Labcorp Genetics (formerly Invitae), Labcorp).